The following is an entry in ClinVar:

ClinVar aggregate classification (germline): Likely benign. Review status: criteria provided, multiple submitters, no conflicts (2 of 4 stars). 2 submissions from 2 submitters: Likely benign (2). Last evaluated 2026-02-24.

Conditions:
BRCA2-related disorder. Also called: BRCA2-related condition; BRCA2-related disorders. Identifiers: MedGen CN239275.
Hereditary cancer-predisposing syndrome. Also called: Hereditary neoplastic syndrome; Tumor predisposition; Hereditary Cancer Syndrome; Neoplastic Syndromes, Hereditary. Identifiers: Orphanet 140162, MedGen C0027672, MeSH D009386, MONDO:0015356.

gnomAD v4.1: 5 of 152,146 alleles (0.0033%); highest among the groups gnomAD compares: Admixed American, 0.033%; no homozygotes.

Submissions (2):

PreventionGenetics, part of Exact Sciences
Classification: Likely benign for BRCA2-related condition. Last evaluated: 2026-02-24. Review status: criteria provided, single submitter. Criteria: ACMG Guidelines, 2015. Collection method: clinical testing. Allele origin: germline.
Comment: This variant is classified as likely benign based on ACMG/AMP sequence variant interpretation guidelines (Richards et al. 2015 PMID: 25741868, with internal and published modifications).

Color Diagnostics, LLC DBA Color Health
Classification: Likely benign for Hereditary cancer-predisposing syndrome. Last evaluated: 2025-07-15. Review status: criteria provided, single submitter. Criteria: ACMG Guidelines, 2015. Collection method: clinical testing. Allele origin: germline.

NM_000059.4(BRCA2):c.7618-188G>A

Gene: BRCA2 (BRCA2 DNA repair associated; plus strand). Cytogenetic location: 13q13.1.
Variant type: single nucleotide variant.
Coding change: c.7618-188G>A on transcript NM_000059.4 (MANE Select); 188 bases into the intron before coding-DNA position 7618, G replaced by A.
Molecular consequence: intron variant.
Genome position (GRCh38, 1-based): chr13:32,357,554, G>A. VCF-style: chr13-32357554-G-A. GRCh37 (hg19) VCF-style: chr13-32931691-G-A.
Other names: c.7618-188G>A (NM_000059.3, NM_001432077.1, NM_001406720.1); c.7522-188G>A (NM_001406719.1); c.2686-188G>A (NM_001406721.1); c.1201-188G>A (NM_001406722.1).
Identifiers: ClinVar variation 4758523 (VCV004758523.2).
Genomic context (GRCh38, chr13:32,357,554, plus strand): 5'-CAGATTTAGCAGGAGGCGTATAAACGGGGTGGAAAAGGTACAGCAGACTGTGGAATGTAT[G>A]GATCATTTATATTACATTAAAATTTTTAGTTTCTAGTAAATAACTTAAATGTTTTTGTAG-3'